The following is an entry in ClinVar:

NM_000256.3(MYBPC3):c.662T>A (p.Leu221Gln)

Gene: MYBPC3 (myosin binding protein C3; minus strand). Cytogenetic location: 11p11.2.
Variant type: single nucleotide variant.
Coding change: c.662T>A on transcript NM_000256.3 (MANE Select); coding-DNA position 662, T replaced by A.
Protein change: p.Leu221Gln; replaces leucine 221 with glutamine.
Molecular consequence: missense variant.
Genome position (GRCh38, 1-based): chr11:47,348,534, A>T on the plus strand (T>A on the coding strand, the complement: MYBPC3 is on the minus strand). VCF-style: chr11-47348534-A-T. GRCh37 (hg19) VCF-style: chr11-47370085-A-T.
Other names: short protein forms L221Q.
Identifiers: ClinVar variation 3651530 (VCV003651530.2).

ClinVar aggregate classification (germline): Uncertain significance (1 of 4 stars; one submission).

Conditions:
Hypertrophic cardiomyopathy. Also called: HYPERTROPHIC MYOCARDIOPATHY. Identifiers: Orphanet 217569, MedGen C0007194, MeSH D002312, MONDO:0005045, HP:0001639.

Submission:

Labcorp Genetics (formerly Invitae), Labcorp
Classification: Uncertain significance for Hypertrophic cardiomyopathy. Last evaluated: 2025-12-15. Review status: criteria provided, single submitter. Criteria: Invitae Variant Classification Sherloc (09022015). Collection method: clinical testing. Allele origin: germline.
Comment: This sequence change replaces leucine, which is neutral and non-polar, with glutamine, which is neutral and polar, at codon 221 of the MYBPC3 protein (p.Leu221Gln). This variant is not present in population databases (gnomAD no frequency). This variant has not been reported in the literature in individuals affected with MYBPC3-related conditions. ClinVar contains an entry for this variant (Variation ID: 3651530). An algorithm developed to predict the effect of missense changes on protein structure and function (PolyPhen-2) suggests that this variant is likely to be disruptive. In summary, the available evidence is currently insufficient to determine the role of this variant in disease. Therefore, it has been classified as a Variant of Uncertain Significance.